The following is an entry in ClinVar:

ClinVar aggregate classification (germline): Conflicting classifications of pathogenicity. Review status: criteria provided, conflicting classifications (1 of 4 stars). 6 submissions from 6 submitters: Uncertain significance (3); Likely benign (2). 1 of the submissions does not count toward it. Last evaluated 2026-01-05.

Conditions:
GRXCR1-related disorder. Also called: GRXCR1-related condition.
Autosomal recessive nonsyndromic hearing loss 25. Identifiers: Orphanet 90636, MedGen C1414017, MONDO:0013210, OMIM 613285.

Allele frequency attached by ClinVar (database versions not stated): ExAC 0.00058; TOPMed 0.00059; 1000 Genomes Project 0.00060; 1000 Genomes Project 30x 0.00062; ESP Exome Variant Server 0.00066; gnomAD 0.00067; gnomAD exomes 0.00069 and 0.00071.
gnomAD v4.1: 1,096 of 1,613,960 alleles (0.068%); highest among the groups gnomAD compares: Admixed American, 0.092%; 1 homozygote.

Submissions (6):

Labcorp Genetics (formerly Invitae), Labcorp
Classification: Likely benign. Last evaluated: 2026-01-05. Review status: criteria provided, single submitter. Criteria: Invitae Variant Classification Sherloc (09022015). Collection method: clinical testing. Allele origin: germline.

Blueprint Genetics
Classification: Uncertain significance. Last evaluated: 2024-10-08. Review status: criteria provided, single submitter. Criteria: ACMG Guidelines, 2015. Collection method: clinical testing. Allele origin: germline.

GeneDx
Classification: Likely benign. Last evaluated: 2020-12-01. Review status: criteria provided, single submitter. Criteria: GeneDx Variant Classification Process June 2021. Collection method: clinical testing. Allele origin: germline. Affected: yes.

Illumina Laboratory Services, Illumina
Classification: Uncertain significance for Autosomal recessive nonsyndromic hearing loss 25. Last evaluated: 2018-01-13. Review status: criteria provided, single submitter. Criteria: ICSL Variant Classification Criteria 13 December 2019. Collection method: clinical testing. Allele origin: germline.

Laboratory for Molecular Medicine, Mass General Brigham Personalized Medicine
Classification: Uncertain significance. Last evaluated: 2017-08-24. Review status: criteria provided, single submitter. Criteria: LMM Criteria. Collection method: clinical testing. Allele origin: germline. Observed: 3 variant alleles.
Comment: The p.Arg262Gln variant in GRXCR1 has been identified by our laboratory in 2 ind ividuals with hearing loss; however a second variant was not identified in eithe r individual. The variant has also been identified in 0.4% (36/10150) of Ashkena zi Jewish and 0.1% (102/126588) of European chromosomes by the Genome Aggregatio n Database (gnomAD; rs146696590) and has been reported in ClinVar (Variation ID: 228734); however its frequency is not high e nough to rule out a pathogenic role. Computational prediction tools and conserva tion analysis suggest the variant may impact the protein; however this data is i nsufficient to assume pathogenicity. In summary, the clinical significance of th e p.Arg262Gln variant is uncertain.

PreventionGenetics, part of Exact Sciences
Classification: Likely benign for GRXCR1-related condition. Last evaluated: 2023-07-19. Review status: no assertion criteria provided. Collection method: clinical testing. Allele origin: germline. Not counted in ClinVar's aggregate classification.
Comment: This variant is classified as likely benign based on ACMG/AMP sequence variant interpretation guidelines (Richards et al. 2015 PMID: 25741868, with internal and published modifications).

NM_001080476.3(GRXCR1):c.785G>A (p.Arg262Gln)

Gene: GRXCR1 (glutaredoxin and cysteine rich domain containing 1; plus strand). Cytogenetic location: 4p13.
Variant type: single nucleotide variant.
Coding change: c.785G>A on transcript NM_001080476.3 (MANE Select); coding-DNA position 785, G replaced by A.
Protein change: p.Arg262Gln; replaces arginine 262 with glutamine.
Molecular consequence: missense variant.
Genome position (GRCh38, 1-based): chr4:43,030,452, G>A. VCF-style: chr4-43030452-G-A. GRCh37 (hg19) VCF-style: chr4-43032469-G-A.
Other names: short protein forms R262Q.
Identifiers: ClinVar variation 228734 (VCV000228734.21), dbSNP rs146696590, ClinGen allele CA2904533.
Genomic context (GRCh38, chr4:43,030,452, plus strand): 5'-GTGGAGGCTTTGGCTTTCTTCCATGCTCCGTGTGCCATGGGAGCAAGATGTCCATGTTTC[G>A]AAACTGCTTCACAGACTCTTTCAAAGCCCTGAAGTGTACGGCTTGCAATGAAAATGGTCT-3'
Protein context (NP_001073945.1, residues 252-272): VCHGSKMSMF[Arg262Gln]NCFTDSFKAL